The following is an entry in ClinVar:

ClinVar aggregate classification (germline): Uncertain significance. Review status: criteria provided, multiple submitters, no conflicts (2 of 4 stars). 2 submissions from 2 submitters: Uncertain significance (2). Last evaluated 2022-06-29.

Conditions:
Epidermolysis bullosa simplex 5B, with muscular dystrophy (EBS5B). Also called: Epidermolysis bullosa simplex with muscular dystrophy; EPIDERMOLYSIS BULLOSA SIMPLEX AND LIMB-GIRDLE MUSCULAR DYSTROPHY. Identifiers: Orphanet 257, MedGen C2931072, MONDO:0009181, OMIM 226670.
Epidermolysis bullosa simplex, Ogna type (EBS5A). Also called: Pidermolysis bullosa simplex 5A, Ogna type; EPIDERMOLYSIS BULLOSA SIMPLEX 5A, OGNA TYPE. Identifiers: Orphanet 79401, MedGen C0432317, MONDO:0007555, OMIM 131950.
Epidermolysis bullosa simplex 5C, with pyloric atresia (EBS5C). Also called: Epidermolysis bullosa simplex with pyloric atresia; PLEC-Related Epidermolysis Bullosa with Pyloric Atresia; PLEC1-Related Epidermolysis Bullosa with Pyloric Atresia. Identifiers: Orphanet 158684, MedGen C2677349, MONDO:0012807, OMIM 612138.
Autosomal recessive limb-girdle muscular dystrophy type 2Q (LGMDR17). Also called: MUSCULAR DYSTROPHY, LIMB-GIRDLE, AUTOSOMAL RECESSIVE 17. Identifiers: Orphanet 254361, MedGen C3150989, MONDO:0013390, OMIM 613723.
Epidermolysis bullosa simplex with nail dystrophy (EBS5D). Identifiers: MedGen C4225309, MONDO:0014661, OMIM 616487.

Allele frequency attached by ClinVar (database versions not stated): ExAC 0.00001; gnomAD exomes 0.00001; gnomAD 0.00002; TOPMed 0.00002.
gnomAD v4.1: 13 of 1,597,608 alleles (0.00081%); highest among the groups gnomAD compares: East Asian, 0.0045%; no homozygotes.

Submissions (2):

Labcorp Genetics (formerly Invitae), Labcorp
Classification: Uncertain significance for Autosomal recessive limb-girdle muscular dystrophy type 2Q; Epidermolysis bullosa simplex, Ogna type; Epidermolysis bullosa simplex with nail dystrophy; Epidermolysis bullosa simplex 5C, with pyloric atresia; Epidermolysis bullosa simplex 5B, with muscular dystrophy. Last evaluated: 2022-06-29. Review status: criteria provided, single submitter. Criteria: Invitae Variant Classification Sherloc (09022015). Collection method: clinical testing. Allele origin: germline.
Comment: In summary, the available evidence is currently insufficient to determine the role of this variant in disease. Therefore, it has been classified as a Variant of Uncertain Significance. Algorithms developed to predict the effect of missense changes on protein structure and function are either unavailable or do not agree on the potential impact of this missense change (SIFT: "Deleterious"; PolyPhen-2: "Not Available"; Align-GVGD: "Class C55"). This variant has not been reported in the literature in individuals affected with PLEC-related conditions. This variant is present in population databases (rs782597430, gnomAD 0.01%). This sequence change replaces arginine, which is basic and polar, with cysteine, which is neutral and slightly polar, at codon 1921 of the PLEC protein (p.Arg1921Cys).

Revvity Omics, Revvity
Classification: Uncertain significance. Last evaluated: 2019-10-30. Review status: criteria provided, single submitter. Criteria: ACMG Guidelines, 2015. Collection method: clinical testing. Allele origin: germline.

NM_201384.3(PLEC):c.5680C>T (p.Arg1894Cys)

Gene: PLEC (plectin; minus strand). Cytogenetic location: 8q24.3.
Variant type: single nucleotide variant.
Coding change: c.5680C>T on transcript NM_201384.3 (MANE Select); coding-DNA position 5680, C replaced by T.
Protein change: p.Arg1894Cys; replaces arginine 1894 with cysteine.
Molecular consequence: missense variant.
Genome position (GRCh38, 1-based): chr8:143,924,249, G>A on the plus strand (C>T on the coding strand, the complement: PLEC is on the minus strand). VCF-style: chr8-143924249-G-A. GRCh37 (hg19) VCF-style: chr8-144998417-G-A.
Other names: c.5761C>T, p.Arg1921Cys (NM_000445.5); c.5638C>T, p.Arg1880Cys (NM_201378.4); c.5614C>T, p.Arg1872Cys (NM_201379.3); c.6091C>T, p.Arg2031Cys (NM_201380.4); c.5584C>T, p.Arg1862Cys (NM_201381.3); c.5680C>T, p.Arg1894Cys (NM_201382.4); c.5692C>T, p.Arg1898Cys (NM_201383.3); c.5761C>T (NM_000445.3); short protein forms R1894C, R1862C, R1880C, R1921C, R1898C, R2031C, R1872C.
Identifiers: ClinVar variation 1977726 (VCV001977726.8), dbSNP rs782597430, ClinGen allele CA4926275.
Genomic context (GRCh38, chr8:143,924,249, plus strand): 5'-CCACCAGCCCCTTCTGCCGCTCCAGCTCGCTGTCCGATGCCTTGCGCAGCTGGGCCAGGC[G>A]CTCCTCGATGTCAGCCTTGTGTTGCGCGGCCTGCTCCTCCAGCCGCCGCCGCTGGAAGGC-3'
Protein context (NP_958786.1, residues 1884-1904): AAQHKADIEE[Arg1894Cys]LAQLRKASDS